The following is an entry in ClinVar:

NM_000059.4(BRCA2):c.6841+4A>G

Gene: BRCA2 (BRCA2 DNA repair associated; plus strand). Cytogenetic location: 13q13.1.
Variant type: single nucleotide variant.
Coding change: c.6841+4A>G on transcript NM_000059.4 (MANE Select); 4 bases into the intron after coding-DNA position 6841, A replaced by G.
Molecular consequence: intron variant.
Genome position (GRCh38, 1-based): chr13:32,341,200, A>G. VCF-style: chr13-32341200-A-G. GRCh37 (hg19) VCF-style: chr13-32915337-A-G.
Identifiers: ClinVar variation 2071907 (VCV002071907.4), dbSNP rs2137531118, ClinGen allele CA2580088065.
Genomic context (GRCh38, chr13:32,341,200, plus strand): 5'-TGGTTTTGTCAAATTCAAGAATTGGAAAAAGAAGAGGAGAGCCCCTTATCTTAGTGGGTA[A>G]GTGTTCATTTTTACCTTTCGTGTTGCCAATCACTATTTTTAAAGTGTTTATTCAGTAGAC-3'

ClinVar aggregate classification (germline): Uncertain significance (1 of 4 stars; one submission).

Conditions:
Hereditary breast ovarian cancer syndrome. Also called: BRCA1- and BRCA2-Associated Hereditary Breast and Ovarian Cancer; Hereditary breast and/or ovarian cancer syndrome; Hereditary breast and ovarian cancer syndrome; Hereditary breast and ovarian cancer syndrome (HBOC); Breast and ovarian cancer; Hereditary breast and ovarian cancer. Identifiers: Orphanet 145, MedGen C0677776, MeSH D061325, MONDO:0003582. Disease mechanism: loss of function.

Submission:

Labcorp Genetics (formerly Invitae), Labcorp
Classification: Uncertain significance for Hereditary breast ovarian cancer syndrome. Last evaluated: 2022-01-03. Review status: criteria provided, single submitter. Criteria: Invitae Variant Classification Sherloc (09022015). Collection method: clinical testing. Allele origin: germline.
Comment: In summary, the available evidence is currently insufficient to determine the role of this variant in disease. Therefore, it has been classified as a Variant of Uncertain Significance. Variants that disrupt the consensus splice site are a relatively common cause of aberrant splicing (PMID: 17576681, 9536098). Algorithms developed to predict the effect of sequence changes on RNA splicing suggest that this variant may disrupt the consensus splice site. This variant has not been reported in the literature in individuals affected with BRCA2-related conditions. This variant is not present in population databases (gnomAD no frequency). This sequence change falls in intron 11 of the BRCA2 gene. It does not directly change the encoded amino acid sequence of the BRCA2 protein. It affects a nucleotide within the consensus splice site.

Literature cited by the submitters: PubMed 17576681; PubMed 9536098.